The following is an entry in ClinVar:

ClinVar aggregate classification (germline): Conflicting classifications of pathogenicity. Review status: criteria provided, conflicting classifications (1 of 4 stars). 4 submissions from 4 submitters: Uncertain significance (2); Likely benign (1). 1 of the submissions does not count toward it. Last evaluated 2026-01-19.

Conditions:
Inborn genetic diseases. Identifiers: MedGen C0950123, MeSH D030342.
Acute infantile liver failure due to synthesis defect of mtDNA-encoded proteins. Also called: Liver failure acute infantile; LIVER FAILURE, INFANTILE, TRANSIENT; TRMU Deficiency. Identifiers: Orphanet 217371, MedGen C3278664, MONDO:0013111, OMIM 613070.

Allele frequency attached by ClinVar (database versions not stated): gnomAD exomes 0.00003 and 0.00006; ExAC 0.00006; 1000 Genomes Project 30x 0.00016; gnomAD 0.00016 and 0.00017; TOPMed 0.00019; 1000 Genomes Project 0.00020; ESP Exome Variant Server 0.00023.
gnomAD v4.1: 83 of 1,613,242 alleles (0.0051%); highest among the groups gnomAD compares: African/African-American, 0.085%; no homozygotes.

Submissions (4):

Labcorp Genetics (formerly Invitae), Labcorp
Classification: Likely benign. Last evaluated: 2026-01-19. Review status: criteria provided, single submitter. Criteria: Invitae Variant Classification Sherloc (09022015). Collection method: clinical testing. Allele origin: germline.

Ambry Genetics
Classification: Uncertain significance for Inborn genetic diseases. Last evaluated: 2025-04-12. Review status: criteria provided, single submitter. Criteria: Ambry Variant Classification Scheme 2023. Collection method: clinical testing. Allele origin: germline.

GeneDx
Classification: Uncertain significance. Last evaluated: 2024-01-31. Review status: criteria provided, single submitter. Criteria: GeneDx Variant Classification Process June 2021. Collection method: clinical testing. Allele origin: germline. Affected: yes.
Comment: Has not been previously published as pathogenic or benign to our knowledge; In silico analysis supports that this missense variant has a deleterious effect on protein structure/function

Natera, Inc.
Classification: Uncertain significance for Acute infantile liver failure due to synthesis defect of mtDNA-encoded proteins. Last evaluated: 2019-11-11. Review status: no assertion criteria provided. Collection method: clinical testing. Allele origin: germline. Not counted in ClinVar's aggregate classification.

NM_018006.5(TRMU):c.1106C>T (p.Ala369Val)

Gene: TRMU (tRNA mitochondrial 2-thiouridylase; plus strand). Cytogenetic location: 22q13.31.
Variant type: single nucleotide variant.
Coding change: c.1106C>T on transcript NM_018006.5 (MANE Select); coding-DNA position 1106, C replaced by T.
Protein change: p.Ala369Val; replaces alanine 369 with valine.
Molecular consequence: missense variant. On other transcripts: synonymous variant (2), non-coding transcript variant (2).
Genome position (GRCh38, 1-based): chr22:46,356,846, C>T. VCF-style: chr22-46356846-C-T. GRCh37 (hg19) VCF-style: chr22-46752743-C-T.
Other names: p.A369V:GCT>GTT; c.764C>T, p.Ala255Val (NM_001282782.2); c.686C>T, p.Ala229Val (NM_001282783.2); c.603C>T, p.Cys201= (NM_001282784.2); c.1023C>T, p.Cys341= (NM_001282785.2); short protein forms A369V, A255V, A229V.
Identifiers: ClinVar variation 215290 (VCV000215290.13), dbSNP rs111608902, ClinGen allele CA325161.
Genomic context (GRCh38, chr22:46,356,846, plus strand): 5'-CCTGCCCTCGGCTGGCTCCCTGTGGCACCCCTGATGCCAGGGTCTCTCCCCTACAGTTTG[C>T]TGTGTTCTACAAGGGGGACGAGTGCCTGGGCAGCGGGAAGATCCTGCGGCTGGGGCCGTC-3'
Protein context (NP_060476.2, residues 359-379): AVRALATGQF[Ala369Val]VFYKGDECLG